The following is an entry in ClinVar:

ClinVar aggregate classification (germline): Likely benign (1 of 4 stars; one submission).

Allele frequency attached by ClinVar (database versions not stated): 1000 Genomes Project 0.01058; 1000 Genomes Project 30x 0.01109; TOPMed 0.01795; gnomAD exomes 0.01932; gnomAD 0.01938 and 0.01948; ExAC 0.02802.
gnomAD v4.1: 13,095 of 599,096 alleles (2.2%); highest among the groups gnomAD compares: Middle Eastern, 2.8%; 199 homozygotes.

Submission:

GeneDx
Classification: Likely benign. Last evaluated: 2018-06-14. Review status: criteria provided, single submitter. Criteria: GeneDx Variant Classification (06012015). Collection method: clinical testing. Allele origin: germline. Affected: yes.
Comment: This variant is considered likely benign or benign based on one or more of the following criteria: it is a conservative change, it occurs at a poorly conserved position in the protein, it is predicted to be benign by multiple in silico algorithms, and/or has population frequency not consistent with disease.

NM_001130438.3(SPTAN1):c.6576+284C>T

Gene: SPTAN1 (spectrin alpha, non-erythrocytic 1; plus strand). Cytogenetic location: 9q34.11.
Variant type: single nucleotide variant.
Coding change: c.6576+284C>T on transcript NM_001130438.3 (MANE Select); 284 bases into the intron after coding-DNA position 6576, C replaced by T.
Molecular consequence: intron variant.
Genome position (GRCh38, 1-based): chr9:128,626,971, C>T. VCF-style: chr9-128626971-C-T. GRCh37 (hg19) VCF-style: chr9-131389250-C-T.
Other names: c.6576+284C>T (NM_001363759.2); c.6561+284C>T (NM_003127.4); c.6516+284C>T (NM_001363765.2); c.6501+284C>T (NM_001195532.2).
Identifiers: ClinVar variation 680993 (VCV000680993.1), dbSNP rs117848582, ClinGen allele CA5265730.